The following is an entry in ClinVar:

ClinVar aggregate classification (germline): Uncertain significance (1 of 4 stars; one submission).

Submission:

Labcorp Genetics (formerly Invitae), Labcorp
Classification: Uncertain significance. Last evaluated: 2025-03-27. Review status: criteria provided, single submitter. Criteria: Invitae Variant Classification Sherloc (09022015). Collection method: clinical testing. Allele origin: germline.
Comment: This sequence change replaces arginine, which is basic and polar, with tryptophan, which is neutral and slightly polar, at codon 170 of the RELB protein (p.Arg170Trp). This variant is not present in population databases (gnomAD no frequency). This variant has not been reported in the literature in individuals affected with RELB-related conditions. An algorithm developed to predict the effect of missense changes on protein structure and function (PolyPhen-2) suggests that this variant is likely to be disruptive. In summary, the available evidence is currently insufficient to determine the role of this variant in disease. Therefore, it has been classified as a Variant of Uncertain Significance.

NM_006509.4(RELB):c.508C>T (p.Arg170Trp)

Gene: RELB (RELB proto-oncogene, NF-kB subunit; plus strand). Cytogenetic location: 19q13.32.
Variant type: single nucleotide variant.
Coding change: c.508C>T on transcript NM_006509.4 (MANE Select); coding-DNA position 508, C replaced by T.
Protein change: p.Arg170Trp; replaces arginine 170 with tryptophan.
Molecular consequence: missense variant.
Genome position (GRCh38, 1-based): chr19:45,022,056, C>T. VCF-style: chr19-45022056-C-T. GRCh37 (hg19) VCF-style: chr19-45525314-C-T.
Other names: c.499C>T, p.Arg167Trp (NM_001411087.1); short protein forms R167W, R170W.
Identifiers: ClinVar variation 4698968 (VCV004698968.1).